The following is an entry in ClinVar:

ClinVar aggregate classification (germline): Uncertain significance. Review status: criteria provided, multiple submitters, no conflicts (2 of 4 stars). 2 submissions from 2 submitters: Uncertain significance (2). Last evaluated 2024-09-10.

Conditions:
Charcot-Marie-Tooth disease dominant intermediate B (CMTDIB). Also called: Charcot-Marie-Tooth disease dominant intermediate 1; CMT DI1; Charcot-Marie-Tooth disease dominant intermediate I; CHARCOT-MARIE-TOOTH NEUROPATHY, DOMINANT INTERMEDIATE B. Identifiers: Orphanet 100044, Orphanet 228179, MedGen C1847902, MONDO:0011674, OMIM 606482.
Autosomal dominant centronuclear myopathy. Also called: MYOTUBULAR MYOPATHY, AUTOSOMAL DOMINANT; Myopathy, centronuclear, 3. Identifiers: Orphanet 169189, MedGen C4551952, MeSH D020914, MONDO:0008048, OMIM 160150.

Allele frequency attached by ClinVar (database versions not stated): gnomAD exomes below 0.00001 and 0.00001; TOPMed below 0.00001.
gnomAD v4.1: 2 of 1,613,732 alleles (0.00012%); highest among the groups gnomAD compares: Admixed American, 0.0033%; no homozygotes.

Submissions (2):

Labcorp Genetics (formerly Invitae), Labcorp
Classification: Uncertain significance for Charcot-Marie-Tooth disease dominant intermediate B. Last evaluated: 2024-09-10. Review status: criteria provided, single submitter. Criteria: Invitae Variant Classification Sherloc (09022015). Collection method: clinical testing. Allele origin: germline.
Comment: This sequence change replaces phenylalanine, which is neutral and non-polar, with serine, which is neutral and polar, at codon 804 of the DNM2 protein (p.Phe804Ser). This variant is present in population databases (no rsID available, gnomAD 0.003%). This variant has not been reported in the literature in individuals affected with DNM2-related conditions. ClinVar contains an entry for this variant (Variation ID: 1029989). An algorithm developed to predict the effect of missense changes on protein structure and function outputs the following: PolyPhen-2: "Probably Damaging". The serine amino acid residue is found in multiple mammalian species, which suggests that this missense change does not adversely affect protein function. In summary, the available evidence is currently insufficient to determine the role of this variant in disease. Therefore, it has been classified as a Variant of Uncertain Significance.

Baylor Genetics
Classification: Uncertain significance for Autosomal dominant centronuclear myopathy. Last evaluated: 2019-05-04. Review status: criteria provided, single submitter. Criteria: ACMG Guidelines, 2015. Collection method: clinical testing. Allele origin: paternal. Affected: yes.
Comment: This variant was determined to be of uncertain significance according to ACMG Guidelines, 2015 [PMID:25741868].

NM_001005361.3(DNM2):c.2411T>C (p.Phe804Ser)

Gene: DNM2 (dynamin 2; plus strand). Cytogenetic location: 19p13.2.
Variant type: single nucleotide variant.
Coding change: c.2411T>C on transcript NM_001005361.3 (MANE Select); coding-DNA position 2411, T replaced by C.
Protein change: p.Phe804Ser; replaces phenylalanine 804 with serine.
Molecular consequence: missense variant.
Genome position (GRCh38, 1-based): chr19:10,830,246, T>C. VCF-style: chr19-10830246-T-C. GRCh37 (hg19) VCF-style: chr19-10940922-T-C.
Other names: c.2411T>C, p.Phe804Ser (NM_001005360.3, NM_001190716.2); c.2399T>C, p.Phe800Ser (NM_001005362.3, NM_004945.4); short protein forms F804S, F800S.
Identifiers: ClinVar variation 1029989 (VCV001029989.4), dbSNP rs1237677745, ClinGen allele CA404043940.
Genomic context (GRCh38, chr19:10,830,246, plus strand): 5'-TGAGGGGCCCCACTCCAGGGCCCCCCCTGATTCCTGTTCCCGTGGGGGCAGCAGCCTCCT[T>C]CTCGGCGCCCCCAATCCCATCCCGGCCTGGACCCCAGAGCGTGTTTGCCAACAGTGACCT-3'
Protein context (NP_001005361.1, residues 794-814): IPVPVGAAAS[Phe804Ser]SAPPIPSRPG